The following is an entry in ClinVar:

NM_002485.5(NBN):c.115C>T (p.Gln39Ter)

Gene: NBN (nibrin; minus strand). Cytogenetic location: 8q21.3.
Variant type: single nucleotide variant.
Coding change: c.115C>T on transcript NM_002485.5 (MANE Select); coding-DNA position 115, C replaced by T.
Protein change: p.Gln39Ter; replaces glutamine 39 with a stop codon.
Molecular consequence: nonsense. On other transcripts: 5 prime UTR variant (1).
Genome position (GRCh38, 1-based): chr8:89,982,778, G>A on the plus strand (C>T on the coding strand, the complement: NBN is on the minus strand). VCF-style: chr8-89982778-G-A. GRCh37 (hg19) VCF-style: chr8-90995006-G-A.
Other names: c.-182C>T (NM_001024688.3); short protein forms Q39*.
Identifiers: ClinVar variation 924935 (VCV000924935.11), dbSNP rs377730553, ClinGen allele CA371663153.

ClinVar aggregate classification (germline): Pathogenic/Likely pathogenic. Review status: criteria provided, multiple submitters, no conflicts (2 of 4 stars). 2 submissions from 2 submitters: Pathogenic (1); Likely pathogenic (1). Last evaluated 2024-01-10.

Conditions:
Hereditary cancer-predisposing syndrome. Also called: Hereditary Cancer Syndrome; Hereditary neoplastic syndrome; Neoplastic Syndromes, Hereditary; Tumor predisposition. Identifiers: Orphanet 140162, MedGen C0027672, MeSH D009386, MONDO:0015356.
Microcephaly, normal intelligence and immunodeficiency (NBS). Also called: Ataxia telangiectasia variant V1; IMMUNODEFICIENCY, MICROCEPHALY, AND CHROMOSOMAL INSTABILITY; SEEMANOVA SYNDROME II; Nijmegen breakage syndrome; Microcephaly with normal intelligence immunodeficiency and lymphoreticular malignancies; Nonsyndromal microcephaly autosomal recessive with normal intelligence. Identifiers: Orphanet 647, MedGen C0398791, MONDO:0009623, OMIM 251260.

Submissions (2):

Labcorp Genetics (formerly Invitae), Labcorp
Classification: Pathogenic for Microcephaly, normal intelligence and immunodeficiency. Last evaluated: 2024-01-10. Review status: criteria provided, single submitter. Criteria: Invitae Variant Classification Sherloc (09022015). Collection method: clinical testing. Allele origin: germline.
Comment: This sequence change creates a premature translational stop signal (p.Gln39*) in the NBN gene. It is expected to result in an absent or disrupted protein product. Loss-of-function variants in NBN are known to be pathogenic (PMID: 9590180, 16415040). This variant is not present in population databases (gnomAD no frequency). This variant has not been reported in the literature in individuals affected with NBN-related conditions. ClinVar contains an entry for this variant (Variation ID: 924935). For these reasons, this variant has been classified as Pathogenic.

Ambry Genetics
Classification: Likely pathogenic for Hereditary cancer-predisposing syndrome. Last evaluated: 2021-09-16. Review status: criteria provided, single submitter. Criteria: Ambry Variant Classification Scheme 2023. Collection method: clinical testing. Allele origin: germline.
Comment: The p.Q39* variant (also known as c.115C>T), located in coding exon 2 of the NBN gene, results from a C to T substitution at nucleotide position 115. This changes the amino acid from a glutamine to a stop codon within coding exon 2. The predicted stop codon occurs in the 5&rsquo; end of theNBN gene. Premature termination codons in the 5&rsquo; end of a gene have been reported to escape nonsense-mediated mRNAdecay and/or lead to re-initiation (Rivas et al. Science. 2015 May 8;348(6235):666-9; Lindeboom et al. Nat Genet. 2016 Oct;48(10):1112-8; Rhee et al. Sci Rep. 2017 May 10;7(1):1653). Direct evidence for this alteration is unavailable, however premature termination codons are typically deleterious in nature. This variant was reported in 1/60,466 breast cancer cases and in 0/53,461 controls (Dorling et al. N Engl J Med. 2021 02;384:428-439). This variant is considered to be rare based on population cohorts in the Genome Aggregation Database (gnomAD). Based on the majority of available evidence to date, this variant is likely to be pathogenic.

Literature cited by the submitters: PubMed 9590180 (cited by Labcorp Genetics (formerly Invitae), Labcorp); PubMed 16415040 (cited by Labcorp Genetics (formerly Invitae), Labcorp); PubMed 33471991 (cited by Ambry Genetics).